The following is an entry in ClinVar:

ClinVar aggregate classification (germline): Uncertain significance. Review status: criteria provided, single submitter (1 of 4 stars). 2 submissions from 2 submitters: Uncertain significance (1). 1 of the submissions does not count toward it. Last evaluated 2025-09-10.

Conditions:
Andersen Tawil syndrome (LQT7). Also called: PERIODIC PARALYSIS, POTASSIUM-SENSITIVE CARDIODYSRHYTHMIC TYPE; Andersen Syndrome; ANDERSEN CARDIODYSRHYTHMIC PERIODIC PARALYSIS; LONG QT SYNDROME 7; Potassium-sensitive periodic paralysis, ventricular ectopy, and dysmorphic features. Identifiers: Orphanet 37553, MedGen C1563715, MONDO:0008222, OMIM 170390.
KCNJ2-related disorder. Also called: KCNJ2-related condition.

gnomAD v4.1: 2 of 1,614,028 alleles (0.00012%); highest among the groups gnomAD compares: Non-Finnish European, 0.00017%; no homozygotes.

Submissions (2):

Genomic Medicine Center of Excellence, King Faisal Specialist Hospital and Research Centre
Classification: Uncertain significance for Andersen Tawil syndrome. Last evaluated: 2025-09-10. Review status: criteria provided, single submitter. Criteria: ACMG Guidelines, 2015. Collection method: clinical testing. Allele origin: germline.

PreventionGenetics, part of Exact Sciences
Classification: Uncertain significance for KCNJ2-related condition. Last evaluated: 2024-09-26. Review status: no assertion criteria provided. Collection method: clinical testing. Allele origin: germline. Not counted in ClinVar's aggregate classification.
Comment: The KCNJ2 c.775G>A variant is predicted to result in the amino acid substitution p.Asp259Asn. To our knowledge, this variant has not been reported in the literature. Two missense changes at the adjacent amino acid have been reported in affected individuals, and one was a de novo finding (p.Arg260His, p.Arg260Pro; Suetterlin et al. 2021. PubMed ID: 33074188; Barajas-Martinez et al. 2011. PubMed ID: 21148745). This variant is reported in 0.00088% of alleles in individuals of European (Non-Finnish) descent in gnomAD. At this time, the clinical significance of this variant is uncertain due to the absence of conclusive functional and genetic evidence.

NM_000891.3(KCNJ2):c.775G>A (p.Asp259Asn)

Gene: KCNJ2 (potassium inwardly rectifying channel subfamily J member 2; plus strand). Cytogenetic location: 17q24.3.
Variant type: single nucleotide variant.
Coding change: c.775G>A on transcript NM_000891.3 (MANE Select); coding-DNA position 775, G replaced by A.
Protein change: p.Asp259Asn; replaces aspartic acid 259 with asparagine.
Molecular consequence: missense variant.
Genome position (GRCh38, 1-based): chr17:70,175,814, G>A. VCF-style: chr17-70175814-G-A. GRCh37 (hg19) VCF-style: chr17-68171955-G-A.
Other names: short protein forms D259N.
Identifiers: ClinVar variation 3346172 (VCV003346172.2).